The following is an entry in ClinVar:

ClinVar aggregate classification (germline): Uncertain significance (1 of 4 stars; one submission).

Conditions:
Inborn genetic diseases. Identifiers: MedGen C0950123, MeSH D030342.

Submission:

Ambry Genetics
Classification: Uncertain significance for Inborn genetic diseases. Last evaluated: 2024-10-11. Review status: criteria provided, single submitter. Criteria: Ambry Variant Classification Scheme 2023. Collection method: clinical testing. Allele origin: germline.
Comment: The p.K1019R variant (also known as c.3056A>G), located in coding exon 15 of the ATR gene, results from an A to G substitution at nucleotide position 3056. The lysine at codon 1019 is replaced by arginine, an amino acid with highly similar properties. This amino acid position is conserved. In addition, this alteration is predicted to be tolerated by in silico analysis. Since supporting evidence is limited at this time, the clinical significance of this alteration remains unclear.

NM_001184.4(ATR):c.3056A>G (p.Lys1019Arg)

Gene: ATR (ATR checkpoint kinase; minus strand). Cytogenetic location: 3q23.
Variant type: single nucleotide variant.
Coding change: c.3056A>G on transcript NM_001184.4 (MANE Select); coding-DNA position 3056, A replaced by G.
Protein change: p.Lys1019Arg; replaces lysine 1019 with arginine.
Molecular consequence: missense variant.
Genome position (GRCh38, 1-based): chr3:142,549,594, T>C on the plus strand (A>G on the coding strand, the complement: ATR is on the minus strand). VCF-style: chr3-142549594-T-C. GRCh37 (hg19) VCF-style: chr3-142268436-T-C.
Other names: c.2864A>G, p.Lys955Arg (NM_001354579.2); short protein forms K1019R, K955R.
Identifiers: ClinVar variation 1799302 (VCV001799302.3), dbSNP rs2473364055, ClinGen allele CA354812446.